The following is an entry in ClinVar:

NC_000014.8:g.(?_45630372)_(45633544_?)del

Gene: FANCM (FA complementation group M; plus strand). Cytogenetic location: 14q21.2.
Variant type: Deletion.
Identifiers: ClinVar variation 1443708 (VCV001443708.4).

ClinVar aggregate classification (germline): Uncertain significance (1 of 4 stars; one submission).

Conditions:
Fanconi anemia (FA). Also called: Fanconi's anemia. Identifiers: Orphanet 84, MedGen C0015625, MeSH D005199, MONDO:0019391.

Submission:

Labcorp Genetics (formerly Invitae), Labcorp
Classification: Uncertain significance for Fanconi anemia. Last evaluated: 2023-06-07. Review status: criteria provided, single submitter. Criteria: Invitae Variant Classification Sherloc (09022015). Collection method: clinical testing. Allele origin: germline.
Comment: In summary, the available evidence is currently insufficient to determine the role of this variant in disease. Therefore, it has been classified as a Variant of Uncertain Significance. Experimental studies and prediction algorithms are not available or were not evaluated, and the effect of this variant on mRNA splicing is currently unknown. This variant has not been reported in the literature in individuals affected with FANCM-related conditions. This sequence change falls in intron 9 of the FANCM gene. It does not directly change the encoded amino acid sequence of the FANCM protein.